The following is an entry in ClinVar:

NM_001035.3(RYR2):c.3473C>T (p.Ala1158Val)

Gene: RYR2 (ryanodine receptor 2; plus strand). Cytogenetic location: 1q43.
Variant type: single nucleotide variant.
Coding change: c.3473C>T on transcript NM_001035.3 (MANE Select); coding-DNA position 3473, C replaced by T.
Protein change: p.Ala1158Val; replaces alanine 1158 with valine.
Molecular consequence: missense variant.
Genome position (GRCh38, 1-based): chr1:237,569,194, C>T. VCF-style: chr1-237569194-C-T. GRCh37 (hg19) VCF-style: chr1-237732494-C-T.
Other names: short protein forms A1158V.
Identifiers: ClinVar variation 3949070 (VCV003949070.1).

ClinVar aggregate classification (germline): Uncertain significance (1 of 4 stars; one submission).

Conditions:
Cardiovascular phenotype. Identifiers: MedGen CN230736.

Submission:

Ambry Genetics
Classification: Uncertain significance for Cardiovascular phenotype. Last evaluated: 2025-06-05. Review status: criteria provided, single submitter. Criteria: Ambry Variant Classification Scheme 2023. Collection method: clinical testing. Allele origin: germline.
Comment: The p.A1158V variant (also known as c.3473C>T), located in coding exon 29 of the RYR2 gene, results from a C to T substitution at nucleotide position 3473. The alanine at codon 1158 is replaced by valine, an amino acid with similar properties. This amino acid position is not well conserved in available vertebrate species. In addition, this alteration is predicted to be tolerated by in silico analysis. Based on the available evidence, the clinical significance of this variant remains unclear.